The following is an entry in ClinVar:

ClinVar aggregate classification (germline): Uncertain significance (1 of 4 stars; one submission).

Conditions:
Hypertrophic cardiomyopathy 25 (CMH25). Also called: CARDIOMYOPATHY, FAMILIAL HYPERTROPHIC, 25. Identifiers: MedGen C4225408, MONDO:0011843, OMIM 607487.
Primary familial hypertrophic cardiomyopathy (HCM). Identifiers: Orphanet 99739, MedGen C0949658, MeSH D024741, MONDO:0024573. Inheritance: Various modes of inheritance.

gnomAD v4.1: 1 of 1,613,744 alleles (0.000062%); no homozygotes.

Submission:

Labcorp Genetics (formerly Invitae), Labcorp
Classification: Uncertain significance for Hypertrophic cardiomyopathy 25; Primary familial hypertrophic cardiomyopathy. Last evaluated: 2024-08-13. Review status: criteria provided, single submitter. Criteria: Invitae Variant Classification Sherloc (09022015). Collection method: clinical testing. Allele origin: germline.
Comment: This sequence change replaces cysteine, which is neutral and slightly polar, with phenylalanine, which is neutral and non-polar, at codon 8 of the TCAP protein (p.Cys8Phe). This variant is not present in population databases (gnomAD no frequency). This variant has not been reported in the literature in individuals affected with TCAP-related conditions. ClinVar contains an entry for this variant (Variation ID: 1022736). An algorithm developed to predict the effect of missense changes on protein structure and function (PolyPhen-2) suggests that this variant is likely to be disruptive. In summary, the available evidence is currently insufficient to determine the role of this variant in disease. Therefore, it has been classified as a Variant of Uncertain Significance.

NM_003673.4(TCAP):c.23G>T (p.Cys8Phe)

Gene: TCAP (titin-cap; plus strand). Cytogenetic location: 17q12.
Variant type: single nucleotide variant.
Coding change: c.23G>T on transcript NM_003673.4 (MANE Select); coding-DNA position 23, G replaced by T.
Protein change: p.Cys8Phe; replaces cysteine 8 with phenylalanine.
Molecular consequence: missense variant.
Genome position (GRCh38, 1-based): chr17:39,665,382, G>T. VCF-style: chr17-39665382-G-T. GRCh37 (hg19) VCF-style: chr17-37821635-G-T.
Other names: short protein forms C8F.
Identifiers: ClinVar variation 1022736 (VCV001022736.7), dbSNP rs899342367, ClinGen allele CA290433660.